The following is an entry in ClinVar:

NC_000022.10:g.(?_42522500)_(42526813_?)dup

Gene: CYP2D6 (cytochrome P450 family 2 subfamily D member 6 (gene/pseudogene); minus strand). Cytogenetic location: 22q13.2.
Variant type: Duplication.
Identifiers: ClinVar variation 4689248 (VCV004689248.1).

ClinVar aggregate classification (germline): Uncertain significance (1 of 4 stars; one submission).

Submission:

Women's Health and Genetics/Laboratory Corporation of America, LabCorp
Classification: Uncertain significance. Last evaluated: 2026-01-19. Review status: criteria provided, single submitter. Criteria: LabCorp Variant Classification Summary - May 2015. Collection method: clinical testing. Allele origin: germline.
Comment: Variant summary: The variant involves the duplication of exons 1-9 in the CYP2D6 gene. A presumed nomenclature of c.(?_-20)_(*76_?)dup has been designated for the purposes of this classification. This duplication includes the entire coding sequence of the gene. As exact breakpoints are unknown, it may extend beyond the annotated region of the gene, to include other flanking genes. A duplication variant which covers the CYP2D6 gene was found at a frequency of 0.083 in 114174 control chromosomes in the gnomAD database (Structural Variants v4.1 dataset), including 896 apparent homozygotes. However, this duplication is part of a multiallelic CNV (mCNV) with a high frequency of control individuals with copy number gains and losses, where several individuals carrying duplications, and higher copy number gains (i.e. 3 to 8 copies) were also reported. CYP2D6 is a highly polymorphic pharmacogene involved in the metabolism of up to 25% commonly prescribed drugs. CYP2D6 gene duplications can lead to ultra-rapid drug metabolism if the duplicated alleles are fully active and if the duplication is combined with another active CYP2D6 allele in trans. Such individuals have high CYP2D6 activity and a nearly linear gene-dose effect depending on the number of active CYP2D6 alleles (e.g. Kirchheiner_2006). Case studies describing opioid intoxication in individuals who had duplicated or amplified active CYP2D6 genes have been reported (e.g. Gasche_2004, Ciszkowski_2009). On the other hand, duplications (or higher copy gains) might be also associated with normal, decreased or absent function depending on the activity conveyed by each duplicated alleles, thus the accurate prediction of the phenotype requires precise genotyping, with more specific sequencing approaches (e.g. Buermans_2017, Turner_2024, Wang_2025). However, it is not possible to distinguish between these potential outcomes in the context of this evaluation. The following publications have been ascertained in the context of this evaluation (PMID: 15625333, 19692698, 19541866, 28044414, 41409601, 37669183, 16819548). No submitters have cited clinical-significance assessments for this variant to ClinVar. Based on the evidence outlined above, the variant was classified as uncertain significance.

Literature cited by the submitters: PubMed 28044414; PubMed 19692698; PubMed 15625333; PubMed 19541866; PubMed 16819548; PubMed 37669183; PubMed 41409601.